The following is an entry in ClinVar:

NM_001197104.2(KMT2A):c.4595G>A (p.Arg1532His)

Gene: KMT2A (lysine methyltransferase 2A; plus strand). Cytogenetic location: 11q23.3.
Variant type: single nucleotide variant.
Coding change: c.4595G>A on transcript NM_001197104.2 (MANE Select); coding-DNA position 4595, G replaced by A.
Protein change: p.Arg1532His; replaces arginine 1532 with histidine.
Molecular consequence: missense variant.
Genome position (GRCh38, 1-based): chr11:118,490,148, G>A. VCF-style: chr11-118490148-G-A. GRCh37 (hg19) VCF-style: chr11-118360863-G-A.
Other names: c.4694G>A, p.Arg1565His (NM_001412597.1); c.4595G>A, p.Arg1532His (NM_005933.4); short protein forms R1532H, R1565H.
Identifiers: ClinVar variation 1968965 (VCV001968965.6), dbSNP rs983841001, ClinGen allele CA229530931.
Genomic context (GRCh38, chr11:118,490,148, plus strand): 5'-AAACAAGAAATTCCTATTGAATTTCTTTTCTTCTTTTCTAGATCTGTACCAAGTGTGTTC[G>A]CTGTAAGAGCTGTGGATCCACAACTCCAGGCAAAGGGTGGGATGCACAGTGGTCTCATGA-3'
Protein context (NP_001184033.1, residues 1522-1542): KKVWICTKCV[Arg1532His]CKSCGSTTPG

ClinVar aggregate classification (germline): Conflicting classifications of pathogenicity. Review status: criteria provided, conflicting classifications (1 of 4 stars). 2 submissions from 2 submitters: Uncertain significance (1); Likely benign (1). Last evaluated 2026-03-19.

Conditions:
Inborn genetic diseases. Identifiers: MedGen C0950123, MeSH D030342.

Allele frequency attached by ClinVar (database versions not stated): gnomAD 0.00003; TOPMed 0.00002.
gnomAD v4.1: 36 of 1,609,770 alleles (0.0022%); highest among the groups gnomAD compares: African/African-American, 0.0067%; no homozygotes.

Submissions (2):

Ambry Genetics
Classification: Likely benign for Inborn genetic diseases. Last evaluated: 2026-03-19. Review status: criteria provided, single submitter. Criteria: Ambry Variant Classification Scheme 2023. Collection method: clinical testing. Allele origin: germline.

Labcorp Genetics (formerly Invitae), Labcorp
Classification: Uncertain significance. Last evaluated: 2025-03-19. Review status: criteria provided, single submitter. Criteria: Invitae Variant Classification Sherloc (09022015). Collection method: clinical testing. Allele origin: germline.
Comment: This sequence change replaces arginine, which is basic and polar, with histidine, which is basic and polar, at codon 1532 of the KMT2A protein (p.Arg1532His). This variant is present in population databases (no rsID available, gnomAD 0.007%). This variant has not been reported in the literature in individuals affected with KMT2A-related conditions. ClinVar contains an entry for this variant (Variation ID: 1968965). Invitae Evidence Modeling of protein sequence and biophysical properties (such as structural, functional, and spatial information, amino acid conservation, physicochemical variation, residue mobility, and thermodynamic stability) has been performed for this missense variant. However, the output from this modeling did not meet the statistical confidence thresholds required to predict the impact of this variant on KMT2A protein function. In summary, the available evidence is currently insufficient to determine the role of this variant in disease. Therefore, it has been classified as a Variant of Uncertain Significance.